The following is an entry in ClinVar:

ClinVar aggregate classification (germline): Uncertain significance (1 of 4 stars; one submission).

Conditions:
Joubert syndrome 20 (JBTS20). Identifiers: Orphanet 475, MedGen C3554235, MONDO:0013994, OMIM 614970.
Meckel syndrome, type 11 (MKS11). Identifiers: Orphanet 564, MedGen C3809352, MONDO:0014164, OMIM 615397.

Submission:

Labcorp Genetics (formerly Invitae), Labcorp
Classification: Uncertain significance for Joubert syndrome 20; Meckel syndrome, type 11. Last evaluated: 2020-10-21. Review status: criteria provided, single submitter. Criteria: Invitae Variant Classification Sherloc (09022015). Collection method: clinical testing. Allele origin: germline.
Comment: In summary, the available evidence is currently insufficient to determine the role of this variant in disease. Therefore, it has been classified as a Variant of Uncertain Significance. Nucleotide substitutions within the consensus splice site are a relatively common cause of aberrant splicing (PMID: 17576681, 9536098). Experimental studies and prediction algorithms are not available or were not evaluated, and the functional significance of this variant is currently unknown. This variant has not been reported in the literature in individuals with TMEM231-related conditions. This variant is not present in population databases (ExAC no frequency). This sequence change falls in intron 5 of the TMEM231 gene. It does not directly change the encoded amino acid sequence of the TMEM231 protein. It affects a nucleotide within the consensus splice site of the intron.

Literature cited by the submitters: PubMed 17576681; PubMed 9536098.

NM_001077418.3(TMEM231):c.770+3A>G

Gene: TMEM231 (transmembrane protein 231; minus strand). Cytogenetic location: 16q23.1.
Variant type: single nucleotide variant.
Coding change: c.770+3A>G on transcript NM_001077418.3 (MANE Select); 3 bases into the intron after coding-DNA position 770, A replaced by G.
Molecular consequence: intron variant.
Genome position (GRCh38, 1-based): chr16:75,541,347, T>C on the plus strand (A>G on the coding strand, the complement: TMEM231 is on the minus strand). VCF-style: chr16-75541347-T-C. GRCh37 (hg19) VCF-style: chr16-75575245-T-C.
Other names: c.929+3A>G (NM_001077416.2).
Identifiers: ClinVar variation 1045110 (VCV001045110.6), dbSNP rs2080625882, ClinGen allele CA2233414384.